The following is an entry in ClinVar:

ClinVar aggregate classification (germline): Uncertain significance (1 of 4 stars; one submission).

Allele frequency attached by ClinVar (database versions not stated): gnomAD exomes below 0.00001; TOPMed below 0.00001.
gnomAD v4.1: 1 of 1,613,878 alleles (0.000062%); highest among the groups gnomAD compares: African/African-American, 0.0013%; no homozygotes.

Submission:

GeneDx
Classification: Uncertain significance. Last evaluated: 2022-07-08. Review status: criteria provided, single submitter. Criteria: GeneDx Variant Classification Process June 2021. Collection method: clinical testing. Allele origin: germline. Affected: yes.
Comment: Not observed at significant frequency in large population cohorts (gnomAD); In silico analysis supports that this missense variant has a deleterious effect on protein structure/function; Has not been previously published as pathogenic or benign to our knowledge

NM_001083619.3(GRIA2):c.287C>G (p.Ser96Cys)

Gene: GRIA2 (glutamate ionotropic receptor AMPA type subunit 2; plus strand). Cytogenetic location: 4q32.1.
Variant type: single nucleotide variant.
Coding change: c.287C>G on transcript NM_001083619.3 (MANE Select); coding-DNA position 287, C replaced by G.
Protein change: p.Ser96Cys; replaces serine 96 with cysteine.
Molecular consequence: missense variant.
Genome position (GRCh38, 1-based): chr4:157,303,609, C>G. VCF-style: chr4-157303609-C-G. GRCh37 (hg19) VCF-style: chr4-158224761-C-G.
Other names: c.287C>G, p.Ser96Cys (NM_000826.6); c.146C>G, p.Ser49Cys (NM_001083620.3, NM_001379000.3, NM_001379001.3); short protein forms S96C, S49C.
Identifiers: ClinVar variation 2136083 (VCV002136083.1), dbSNP rs1733710293, ClinGen allele CA358649335.